The following is an entry in ClinVar:

ClinVar aggregate classification (germline): Uncertain significance. Review status: criteria provided, multiple submitters, no conflicts (2 of 4 stars). 2 submissions from 2 submitters: Uncertain significance (2). Last evaluated 2023-10-05.

Conditions:
Inborn genetic diseases. Identifiers: MedGen C0950123, MeSH D030342.

Allele frequency attached by ClinVar (database versions not stated): gnomAD 0.00001; gnomAD exomes 0.00001 and 0.00002; ExAC 0.00002; TOPMed 0.00002; 1000 Genomes Project 30x 0.00016; 1000 Genomes Project 0.00020.
gnomAD v4.1: 7 of 1,611,264 alleles (0.00043%); highest among the groups gnomAD compares: East Asian, 0.0089%; no homozygotes.

Submissions (2):

Labcorp Genetics (formerly Invitae), Labcorp
Classification: Uncertain significance. Last evaluated: 2023-10-05. Review status: criteria provided, single submitter. Criteria: Invitae Variant Classification Sherloc (09022015). Collection method: clinical testing. Allele origin: germline.
Comment: This sequence change replaces aspartic acid, which is acidic and polar, with asparagine, which is neutral and polar, at codon 396 of the LAMC3 protein (p.Asp396Asn). This variant is present in population databases (rs577338330, gnomAD 0.02%). This variant has not been reported in the literature in individuals affected with LAMC3-related conditions. ClinVar contains an entry for this variant (Variation ID: 1391028). Algorithms developed to predict the effect of missense changes on protein structure and function output the following: SIFT: "Not Available"; PolyPhen-2: "Possibly Damaging"; Align-GVGD: "Not Available". The asparagine amino acid residue is found in multiple mammalian species, which suggests that this missense change does not adversely affect protein function. In summary, the available evidence is currently insufficient to determine the role of this variant in disease. Therefore, it has been classified as a Variant of Uncertain Significance.

Ambry Genetics
Classification: Uncertain significance for Inborn genetic diseases. Last evaluated: 2021-04-20. Review status: criteria provided, single submitter. Criteria: Ambry Variant Classification Scheme 2023. Collection method: clinical testing. Allele origin: germline.
Comment: The c.1186G>A (p.D396N) alteration is located in exon 6 (coding exon 6) of the LAMC3 gene. This alteration results from a G to A substitution at nucleotide position 1186, causing the aspartic acid (D) at amino acid position 396 to be replaced by an asparagine (N). The p.D396N alteration is predicted to be tolerated by in silico analysis. Based on insufficient or conflicting evidence, the clinical significance of this alteration remains unclear.

NM_006059.4(LAMC3):c.1186G>A (p.Asp396Asn)

Gene: LAMC3 (laminin subunit gamma 3; plus strand). Cytogenetic location: 9q34.12.
Variant type: single nucleotide variant.
Coding change: c.1186G>A on transcript NM_006059.4 (MANE Select); coding-DNA position 1186, G replaced by A.
Protein change: p.Asp396Asn; replaces aspartic acid 396 with asparagine.
Molecular consequence: missense variant.
Genome position (GRCh38, 1-based): chr9:131,039,151, G>A. VCF-style: chr9-131039151-G-A. GRCh37 (hg19) VCF-style: chr9-133914538-G-A.
Other names: c.1186G>A (NM_006059.3); short protein forms D396N.
Identifiers: ClinVar variation 1391028 (VCV001391028.8), dbSNP rs577338330, ClinGen allele CA5286983.